The following is an entry in ClinVar:

NM_001114753.3(ENG):c.998G>A (p.Arg333Lys)

Gene: ENG (endoglin; minus strand). Cytogenetic location: 9q34.11.
Variant type: single nucleotide variant.
Coding change: c.998G>A on transcript NM_001114753.3 (MANE Select); coding-DNA position 998, G replaced by A.
Protein change: p.Arg333Lys; replaces arginine 333 with lysine.
Molecular consequence: missense variant.
Genome position (GRCh38, 1-based): chr9:127,824,440, C>T on the plus strand (G>A on the coding strand, the complement: ENG is on the minus strand). VCF-style: chr9-127824440-C-T. GRCh37 (hg19) VCF-style: chr9-130586719-C-T.
Other names: c.998G>A, p.Arg333Lys (NM_000118.4, NM_001406715.1); c.452G>A, p.Arg151Lys (NM_001278138.2); c.998G>A (NM_001114753.1); short protein forms R151K, R333K.
Identifiers: ClinVar variation 3018469 (VCV003018469.4), dbSNP rs1313580853, ClinGen allele CA374981769.
Genomic context (GRCh38, chr9:127,824,440, plus strand): 5'-TCCGGGCTACAAGTGTCCTTGGGAGGAGTGGTCTGGATCGGTGCGGGTGAGGTCTGCAGC[C>T]TACCACCTGTGGGGTAGCAGAGGCAGGCCAGGCGGCTGGTCACTGTGTGATCACTGTGTG-3'
Protein context (NP_001108225.1, residues 323-343): VSLHASSCGG[Arg333Lys]LQTSPAPIQT

ClinVar aggregate classification (germline): Conflicting classifications of pathogenicity. Review status: criteria provided, conflicting classifications (1 of 4 stars). 2 submissions from 2 submitters: Uncertain significance (1); Likely benign (1). Last evaluated 2026-07-07.

Conditions:
Cardiovascular phenotype. Identifiers: MedGen CN230736.
Hereditary hemorrhagic telangiectasia (HHT). Also called: Osler hemorrhagic telangiectasia syndrome; ORW DISEASE; Osler Weber Rendu syndrome; OSLER-RENDU-WEBER DISEASE. Identifiers: Orphanet 774, MedGen C0039445, MONDO:0019180. Disease mechanism: loss of function.

Allele frequency attached by ClinVar (database versions not stated): gnomAD exomes below 0.00001; gnomAD 0.00001; TOPMed 0.00001.
gnomAD v4.1: 3 of 1,613,370 alleles (0.00019%); highest among the groups gnomAD compares: African/African-American, 0.0013%; no homozygotes.

Submissions (2):

Ambry Genetics
Classification: Uncertain significance for Cardiovascular phenotype. Last evaluated: 2026-07-07. Review status: criteria provided, single submitter. Criteria: Ambry Variant Classification Scheme 2023. Collection method: clinical testing. Allele origin: germline.
Comment: The p.R333K variant (also known as c.998G>A), located in coding exon 8 of the ENG gene, results from a G to A substitution at nucleotide position 998. The arginine at codon 333 is replaced by lysine, an amino acid with highly similar properties. This amino acid position is conserved. In addition, this alteration is predicted to be tolerated by in silico analysis. Based on the available evidence, the clinical significance of this variant remains unclear.

Labcorp Genetics (formerly Invitae), Labcorp
Classification: Likely benign for Hereditary hemorrhagic telangiectasia. Last evaluated: 2023-06-05. Review status: criteria provided, single submitter. Criteria: Invitae Variant Classification Sherloc (09022015). Collection method: clinical testing. Allele origin: germline.